The following is an entry in ClinVar:

ClinVar aggregate classification (germline): Uncertain significance (1 of 4 stars; one submission).

Submission:

Labcorp Genetics (formerly Invitae), Labcorp
Classification: Uncertain significance. Last evaluated: 2025-08-26. Review status: criteria provided, single submitter. Criteria: Invitae Variant Classification Sherloc (09022015). Collection method: clinical testing. Allele origin: germline.
Comment: This sequence change replaces lysine, which is basic and polar, with asparagine, which is neutral and polar, at codon 12 of the POLG2 protein (p.Lys12Asn). This variant is not present in population databases (gnomAD no frequency). This variant has not been reported in the literature in individuals affected with POLG2-related conditions. An algorithm developed to predict the effect of missense changes on protein structure and function (PolyPhen-2) suggests that this variant is likely to be tolerated. In summary, the available evidence is currently insufficient to determine the role of this variant in disease. Therefore, it has been classified as a Variant of Uncertain Significance.

NM_007215.4(POLG2):c.36G>C (p.Lys12Asn)

Genes: MILR1 (mast cell immunoglobulin like receptor 1; plus strand), POLG2 (DNA polymerase gamma 2, accessory subunit; minus strand). Cytogenetic location: 17q23.3.
Variant type: single nucleotide variant.
Coding change: c.36G>C on transcript NM_007215.4 (MANE Select); coding-DNA position 36, G replaced by C.
Protein change: p.Lys12Asn; replaces lysine 12 with asparagine.
Molecular consequence: missense variant.
Genome position (GRCh38, 1-based): chr17:64,496,933, C>G on the plus strand (G>C on the coding strand, the complement: POLG2 is on the minus strand). VCF-style: chr17-64496933-C-G. GRCh37 (hg19) VCF-style: chr17-62493051-C-G.
Other names: short protein forms K12N.
Identifiers: ClinVar variation 4726076 (VCV004726076.1).
Genomic context (GRCh38, chr17:64,496,933, plus strand): 5'-CAGCTCCGGCTGCCCCGCATCTACTCGACCCCCAAACCCAGACAACAGGCACCTGCAGAC[C>G]TTATGGCAGGCCCTGACGGCTACACGAGAGCGCATCTCTCTCCGAAGTTAAAGAGCACAC-3'
Protein context (NP_009146.2, residues 2-22): RSRVAVRACH[Lys12Asn]VCRCLLSGFG